The following is an entry in ClinVar:

ClinVar aggregate classification (germline): Uncertain significance (1 of 4 stars; one submission).

Submission:

Ambry Genetics
Classification: Uncertain significance. Last evaluated: 2025-01-20. Review status: criteria provided, single submitter. Criteria: Ambry Variant Classification Scheme 2023. Collection method: clinical testing. Allele origin: germline.
Comment: The p.S816T variant (also known as c.2447G>C), located in coding exon 1 of the MLH3 gene, results from a G to C substitution at nucleotide position 2447. The serine at codon 816 is replaced by threonine, an amino acid with similar properties. This amino acid position is conserved. In addition, this alteration is predicted to be tolerated by in silico analysis. Based on the available evidence, the clinical significance of this variant remains unclear.

NM_001040108.2(MLH3):c.2447G>C (p.Ser816Thr)

Gene: MLH3 (mutL homolog 3; minus strand). Cytogenetic location: 14q24.3.
Variant type: single nucleotide variant.
Coding change: c.2447G>C on transcript NM_001040108.2 (MANE Select); coding-DNA position 2447, G replaced by C.
Protein change: p.Ser816Thr; replaces serine 816 with threonine.
Molecular consequence: missense variant.
Genome position (GRCh38, 1-based): chr14:75,047,209, C>G on the plus strand (G>C on the coding strand, the complement: MLH3 is on the minus strand). VCF-style: chr14-75047209-C-G. GRCh37 (hg19) VCF-style: chr14-75513912-C-G.
Other names: c.2447G>C, p.Ser816Thr (NM_014381.3); short protein forms S816T.
Identifiers: ClinVar variation 3873502 (VCV003873502.1).